The following is an entry in ClinVar:

NM_001283009.2(RTEL1):c.2155G>C (p.Asp719His)

Genes: RTEL1 (regulator of telomere elongation helicase 1; plus strand), RTEL1-TNFRSF6B (RTEL1-TNFRSF6B readthrough (NMD candidate); plus strand). Cytogenetic location: 20q13.33.
Variant type: single nucleotide variant.
Coding change: c.2155G>C on transcript NM_001283009.2 (MANE Select); coding-DNA position 2155, G replaced by C.
Protein change: p.Asp719His; replaces aspartic acid 719 with histidine.
Molecular consequence: missense variant. On other transcripts: non-coding transcript variant (1).
Genome position (GRCh38, 1-based): chr20:63,690,100, G>C. VCF-style: chr20-63690100-G-C. GRCh37 (hg19) VCF-style: chr20-62321453-G-C.
Other names: c.1486G>C, p.Asp496His (NM_001283010.1); c.2155G>C, p.Asp719His (NM_016434.4); c.2227G>C, p.Asp743His (NM_032957.5); short protein forms D719H, D743H, D496H.
Identifiers: ClinVar variation 4784556 (VCV004784556.1).
Genomic context (GRCh38, chr20:63,690,100, plus strand): 5'-CTTGAAGCGGCTGTGGGCAGGGCAGCAGGGCTATGGCCACCCCCCAGGTTCGCCTTTGCC[G>C]ACGCAAGAGCCCAACTGCCCTCCTGGGTGCGTCCCCACGTCAGGGTGTATGACAACTTTG-3'
Protein context (NP_001269938.1, residues 709-729): FLCDHRFAFA[Asp719His]ARAQLPSWVR

ClinVar aggregate classification (germline): Uncertain significance (1 of 4 stars; one submission).

Conditions:
Dyskeratosis congenita, autosomal recessive 5 (DKCB5). Identifiers: MedGen C3554656, MONDO:0014076, OMIM 615190.
Pulmonary fibrosis and/or bone marrow failure, Telomere-related, 3. Also called: PULMONARY FIBROSIS AND/OR BONE MARROW FAILURE SYNDROME, TELOMERE-RELATED, 3. Identifiers: Orphanet 2032, MedGen C4225346, MONDO:0014613, OMIM 616373.

Submission:

Labcorp Genetics (formerly Invitae), Labcorp
Classification: Uncertain significance for Dyskeratosis congenita, autosomal recessive 5; Pulmonary fibrosis and/or bone marrow failure, Telomere-related, 3. Last evaluated: 2025-03-26. Review status: criteria provided, single submitter. Criteria: Invitae Variant Classification Sherloc (09022015). Collection method: clinical testing. Allele origin: germline.
Comment: This sequence change replaces aspartic acid, which is acidic and polar, with histidine, which is basic and polar, at codon 719 of the RTEL1 protein (p.Asp719His). This variant is not present in population databases (gnomAD no frequency). This variant has not been reported in the literature in individuals affected with RTEL1-related conditions. An algorithm developed to predict the effect of missense changes on protein structure and function (PolyPhen-2) suggests that this variant is likely to be disruptive. In summary, the available evidence is currently insufficient to determine the role of this variant in disease. Therefore, it has been classified as a Variant of Uncertain Significance.